The following is an entry in ClinVar:

NM_000492.4(CFTR):c.3930G>A (p.Trp1310Ter)

Gene: CFTR (CF transmembrane conductance regulator; plus strand). Cytogenetic location: 7q31.2.
Variant type: single nucleotide variant.
Coding change: c.3930G>A on transcript NM_000492.4 (MANE Select); coding-DNA position 3930, G replaced by A.
Protein change: p.Trp1310Ter; replaces tryptophan 1310 with a stop codon.
Molecular consequence: nonsense.
Genome position (GRCh38, 1-based): chr7:117,652,898, G>A. VCF-style: chr7-117652898-G-A. GRCh37 (hg19) VCF-style: chr7-117292952-G-A.
Other names: short protein forms W1310*.
Identifiers: ClinVar variation 1706061 (VCV001706061.5), dbSNP rs2485171208, ClinGen allele CA368978461.

ClinVar aggregate classification (germline): Pathogenic/Likely pathogenic. Review status: criteria provided, multiple submitters, no conflicts (2 of 4 stars). 4 submissions from 4 submitters: Pathogenic (3); Likely pathogenic (1). Last evaluated 2024-06-22.

Conditions:
CFTR-related disorder (CFTR-RD). Also called: CFTR-related condition; CFTR-related disorders. Identifiers: MedGen C5924204, MONDO:7770004.
Bronchiectasis with or without elevated sweat chloride 1 (BESC1). Also called: Cystic Fibrosis-Like Syndrome. Identifiers: Orphanet 60033, MedGen C2749757, MONDO:0008887, OMIM 211400.
Cystic fibrosis (CF). Also called: MUCOVISCIDOSIS. Identifiers: Orphanet 586, MedGen C0010674, MONDO:0009061, OMIM 219700. Disease mechanism: loss of function.
Hereditary pancreatitis (PCTT). Also called: Hereditary chronic pancreatitis; PRSS1-Related Hereditary Pancreatitis. Identifiers: Orphanet 676, MedGen C0238339, MONDO:0008185, OMIM 167800.
Congenital bilateral aplasia of vas deferens from CFTR mutation (CBAVD). Identifiers: Orphanet 48, MedGen C0403814, MONDO:0010178, OMIM 277180. Disease mechanism: loss of function.

Submissions (4):

Fulgent Genetics
Classification: Likely pathogenic for Hereditary pancreatitis; Bronchiectasis with or without elevated sweat chloride 1; Cystic fibrosis; Congenital bilateral aplasia of vas deferens from CFTR mutation. Last evaluated: 2024-06-22. Review status: criteria provided, single submitter. Criteria: ACMG Guidelines, 2015. Collection method: clinical testing. Allele origin: germline.

Natera, Inc.
Classification: Pathogenic for CFTR-related disorders. Last evaluated: 2024-04-15. Review status: criteria provided, single submitter. Criteria: Natera Variant Classification Schema (03/2026). Collection method: clinical testing. Allele origin: germline.
Comment: The c.3930G>A variant in CFTR is a nonsense variant predicted to introduce a stop codon at amino acid 1310. This variant is expected to result in nonsense mediated decay, truncation, or a dysfunctional protein product. This variant is rare in the general population with a frequency below the threshold expected for the associated phenotype(s). This variant has been observed in one or more individuals affected with the associated recessive disease, as either homozygous or compound heterozygous with a second variant (PMID: 30548586). Given the available evidence, this variant is classified as Pathogenic.

Intergen Genetics and Rare Diseases Diagnosis Center
Classification: Pathogenic for Cystic fibrosis. Last evaluated: 2023-09-19. Review status: criteria provided, single submitter. Criteria: ACMG Guidelines, 2015. Collection method: clinical testing. Allele origin: germline. Inheritance: Autosomal recessive inheritance. Affected: no. Observed: 1 heterozygote.

Institute of Human Genetics, University of Leipzig Medical Center
Classification: Pathogenic for Cystic fibrosis. Last evaluated: 2022-09-05. Review status: criteria provided, single submitter. Criteria: ACMG Guidelines, 2015. Collection method: curation. Allele origin: unknown. Affected: yes. Observed: 1 variant allele.
Comment: The variant was classified in the context of a project re-classifying variants in the German Cystic Fibrosis Registry (Muko.e.V.). Criteria applied: PVS1, PS1, PM2_SUP, PM3, PP4

Literature cited by the submitters: PubMed 30548586 (cited by Natera, Inc.).